The following is an entry in ClinVar:

NM_003072.5(SMARCA4):c.657_661del (p.Leu220fs)

Gene: SMARCA4 (SWI/SNF related BAF chromatin remodeling complex subunit ATPase 4; plus strand). Cytogenetic location: 19p13.2.
Variant type: Deletion.
Coding change: c.657_661del on transcript NM_003072.5 (MANE Select); coding-DNA positions 657 to 661, 5 bases deleted (GCTAC; older notation c.657_661delGCTAC).
Protein change: p.Leu220fs; shifts the reading frame from leucine 220.
Molecular consequence: frameshift variant. On other transcripts: non-coding transcript variant (1).
Genome position (GRCh38, 1-based): chr19:10,986,490-10,986,494, GCTAC deleted; deleting any 5 consecutive bases within chr19:10,986,488-10,986,494 gives the same sequence; the c. name uses the placement nearest the transcript's 3' end. VCF-style (leftmost placement, unchanged base first): chr19-10986487-AACGCT-A. GRCh37 (hg19) VCF-style: chr19-11097163-AACGCT-A.
Other names: c.657_661del, p.Leu220fs (NM_001128844.3, NM_001128845.2, NM_001128846.2 and 5 more transcripts); c.657_661delGCTAC, p.Leu220Serfs (NM_001411150.1); short protein forms L220fs.
Identifiers: ClinVar variation 2107165 (VCV002107165.4), dbSNP rs2514003116, ClinGen allele CA2580096211.

ClinVar aggregate classification (germline): Pathogenic (1 of 4 stars; one submission).

Conditions:
Rhabdoid tumor predisposition syndrome 2 (RTPS2). Identifiers: Orphanet 231108, Orphanet 69077, MedGen C2750074, MONDO:0013224, OMIM 613325.

Submission:

Labcorp Genetics (formerly Invitae), Labcorp
Classification: Pathogenic for Rhabdoid tumor predisposition syndrome 2. Last evaluated: 2022-10-25. Review status: criteria provided, single submitter. Criteria: Invitae Variant Classification Sherloc (09022015). Collection method: clinical testing. Allele origin: germline.
Comment: For these reasons, this variant has been classified as Pathogenic. This variant has not been reported in the literature in individuals affected with SMARCA4-related conditions. This variant is not present in population databases (gnomAD no frequency). This sequence change creates a premature translational stop signal (p.Leu220Serfs*65) in the SMARCA4 gene. It is expected to result in an absent or disrupted protein product. Loss-of-function variants in SMARCA4 are known to be pathogenic (PMID: 24658001, 24658002).

Literature cited by the submitters: PubMed 24658001; PubMed 24658002.